The following is an entry in ClinVar:

NM_001347721.2(DYRK1A):c.208-20C>T

Gene: DYRK1A (dual specificity tyrosine phosphorylation regulated kinase 1A; plus strand). Cytogenetic location: 21q22.13.
Variant type: single nucleotide variant.
Coding change: c.208-20C>T on transcript NM_001347721.2 (MANE Select); 20 bases into the intron before coding-DNA position 208, C replaced by T.
Molecular consequence: intron variant. On other transcripts: missense variant (3).
Genome position (GRCh38, 1-based): chr21:37,478,188, C>T. VCF-style: chr21-37478188-C-T. GRCh37 (hg19) VCF-style: chr21-38850490-C-T.
Other names: c.215C>T, p.Pro72Leu (NM_001396.5, NM_101395.2, NM_130438.2); c.208-20C>T (NM_001347722.2, NM_130436.2); c.121-20C>T (NM_001347723.2); short protein forms P72L.
Identifiers: ClinVar variation 1254612 (VCV001254612.2), dbSNP rs2148571341, ClinGen allele CA409943246.

ClinVar aggregate classification (germline): Uncertain significance (1 of 4 stars; one submission).

gnomAD v4.1: 1 of 1,613,754 alleles (0.000062%); highest among the groups gnomAD compares: Non-Finnish European, 0.000085%; no homozygotes.

Submission:

GeneDx
Classification: Uncertain significance. Last evaluated: 2021-07-30. Review status: criteria provided, single submitter. Criteria: GeneDx Variant Classification Process June 2021. Collection method: clinical testing. Allele origin: germline. Affected: yes.
Comment: Has not been previously published as pathogenic or benign to our knowledge; Not observed at significant frequency in large population cohorts (Lek et al., 2016); In silico analysis supports that this missense variant has a deleterious effect on protein structure/function